The following is an entry in ClinVar:

NM_004341.5(CAD):c.5087G>T (p.Cys1696Phe)

Gene: CAD (carbamoyl-phosphate synthetase 2, aspartate transcarbamylase, and dihydroorotase; plus strand). Cytogenetic location: 2p23.3.
Variant type: single nucleotide variant.
Coding change: c.5087G>T on transcript NM_004341.5 (MANE Select); coding-DNA position 5087, G replaced by T.
Protein change: p.Cys1696Phe; replaces cysteine 1696 with phenylalanine.
Molecular consequence: missense variant.
Genome position (GRCh38, 1-based): chr2:27,239,066, G>T. VCF-style: chr2-27239066-G-T. GRCh37 (hg19) VCF-style: chr2-27461934-G-T.
Other names: c.4898G>T, p.Cys1633Phe (NM_001306079.2); short protein forms C1633F, C1696F.
Identifiers: ClinVar variation 1716143 (VCV001716143.3), dbSNP rs2465352744, ClinGen allele CA346222102.

ClinVar aggregate classification (germline): Uncertain significance (1 of 4 stars; one submission).

Submission:

Labcorp Genetics (formerly Invitae), Labcorp
Classification: Uncertain significance. Last evaluated: 2022-08-11. Review status: criteria provided, single submitter. Criteria: Invitae Variant Classification Sherloc (09022015). Collection method: clinical testing. Allele origin: germline.
Comment: This sequence change replaces cysteine, which is neutral and slightly polar, with phenylalanine, which is neutral and non-polar, at codon 1696 of the CAD protein (p.Cys1696Phe). This variant is not present in population databases (gnomAD no frequency). This variant has not been reported in the literature in individuals affected with CAD-related conditions. Algorithms developed to predict the effect of missense changes on protein structure and function (SIFT, PolyPhen-2, Align-GVGD) all suggest that this variant is likely to be tolerated. In summary, the available evidence is currently insufficient to determine the role of this variant in disease. Therefore, it has been classified as a Variant of Uncertain Significance.